The following is an entry in ClinVar:

NM_001378454.1(ALMS1):c.9866C>T (p.Pro3289Leu)

Gene: ALMS1 (ALMS1 centrosome and basal body associated protein; plus strand). Cytogenetic location: 2p13.1.
Variant type: single nucleotide variant.
Coding change: c.9866C>T on transcript NM_001378454.1 (MANE Select); coding-DNA position 9866, C replaced by T.
Protein change: p.Pro3289Leu; replaces proline 3289 with leucine.
Molecular consequence: missense variant.
Genome position (GRCh38, 1-based): chr2:73,534,908, C>T. VCF-style: chr2-73534908-C-T. GRCh37 (hg19) VCF-style: chr2-73762035-C-T.
Other names: c.9869C>T, p.Pro3290Leu (NM_015120.4); short protein forms P3290L, P3289L.
Identifiers: ClinVar variation 551443 (VCV000551443.7), dbSNP rs369660958, ClinGen allele CA1714794.

ClinVar aggregate classification (germline): Uncertain significance. Review status: criteria provided, multiple submitters, no conflicts (2 of 4 stars). 4 submissions from 4 submitters: Uncertain significance (3). 1 of the submissions does not count toward it. Last evaluated 2026-06-23.

Conditions:
Cardiovascular phenotype. Identifiers: MedGen CN230736.
Alstrom syndrome (ALMS). Identifiers: Orphanet 64, MedGen C0268425, MONDO:0008763, OMIM 203800.

Allele frequency attached by ClinVar (database versions not stated): gnomAD exomes 0.00004 and 0.00003; TOPMed 0.00006; ESP Exome Variant Server 0.00008; ExAC 0.00003; gnomAD 0.00003 and 0.00004.
gnomAD v4.1: 49 of 1,613,640 alleles (0.003%); highest among the groups gnomAD compares: East Asian, 0.018%; no homozygotes.

Submissions (4):

Women's Health and Genetics/Laboratory Corporation of America, LabCorp
Classification: Uncertain significance. Last evaluated: 2026-06-23. Review status: criteria provided, single submitter. Criteria: LabCorp Variant Classification Summary - May 2015. Collection method: clinical testing. Allele origin: germline.
Comment: Variant summary: ALMS1 c.9863C>T (p.Pro3288Leu) results in a non-conservative amino acid change in the encoded protein sequence. Algorithms developed to predict the effect of missense changes on protein structure and function are either unavailable or do not agree on the potential impact of this missense change. The variant allele was found at a frequency of 3.6e-05 in 249370 control chromosomes. The available data on variant occurrences in the general population are insufficient to allow any conclusion about variant significance. To our knowledge, no occurrence of c.9863C>T in individuals affected with ALMS1-related conditions and no experimental evidence demonstrating its impact on protein function have been reported. ClinVar contains an entry for this variant (Variation ID: 551443). Based on the evidence outlined above, the variant was classified as uncertain significance.

Labcorp Genetics (formerly Invitae), Labcorp
Classification: Uncertain significance for Alstrom syndrome. Last evaluated: 2024-11-19. Review status: criteria provided, single submitter. Criteria: Invitae Variant Classification Sherloc (09022015). Collection method: clinical testing. Allele origin: germline.
Comment: This sequence change replaces proline, which is neutral and non-polar, with leucine, which is neutral and non-polar, at codon 3290 of the ALMS1 protein (p.Pro3290Leu). The frequency data for this variant in the population databases is considered unreliable, as metrics indicate poor data quality at this position in the gnomAD database. This variant has not been reported in the literature in individuals affected with ALMS1-related conditions. ClinVar contains an entry for this variant (Variation ID: 551443). Experimental studies and prediction algorithms are not available or were not evaluated, and the functional significance of this variant is currently unknown. In summary, the available evidence is currently insufficient to determine the role of this variant in disease. Therefore, it has been classified as a Variant of Uncertain Significance.

Ambry Genetics
Classification: Uncertain significance for Cardiovascular phenotype. Last evaluated: 2022-09-16. Review status: criteria provided, single submitter. Criteria: Ambry Variant Classification Scheme 2023. Collection method: clinical testing. Allele origin: germline.
Comment: The p.P3290L variant (also known as c.9869C>T), located in coding exon 12 of the ALMS1 gene, results from a C to T substitution at nucleotide position 9869. The proline at codon 3290 is replaced by leucine, an amino acid with similar properties. This amino acid position is poorly conserved in available vertebrate species. In addition, this alteration is predicted to be tolerated by in silico analysis. Since supporting evidence is limited at this time, the clinical significance of this alteration remains unclear.

Counsyl
Classification: Uncertain significance for Alstrom syndrome. Last evaluated: 2017-04-10. Review status: no assertion criteria provided. Collection method: clinical testing. Allele origin: unknown. Not counted in ClinVar's aggregate classification.